The following is an entry in ClinVar:

NM_000064.4(C3):c.3457G>A (p.Glu1153Lys)

Gene: C3 (complement C3; minus strand). Cytogenetic location: 19p13.3.
Variant type: single nucleotide variant.
Coding change: c.3457G>A on transcript NM_000064.4 (MANE Select); coding-DNA position 3457, G replaced by A.
Protein change: p.Glu1153Lys; replaces glutamic acid 1153 with lysine.
Molecular consequence: missense variant.
Genome position (GRCh38, 1-based): chr19:6,690,661, C>T on the plus strand (G>A on the coding strand, the complement: C3 is on the minus strand). VCF-style: chr19-6690661-C-T. GRCh37 (hg19) VCF-style: chr19-6690672-C-T.
Other names: short protein forms E1153K.
Identifiers: ClinVar variation 3584106 (VCV003584106.2).
Genomic context (GRCh38, chr19:6,690,661, plus strand): 5'-GTAGGGTGGGAAGATGGAGGGCACTTACGTTGACCTGCTCCTCGCAAATATCTTTAGCCT[C>T]CTGCAGCGAGATGAGAACAAAGGCCGTGAGGGCCATGTCTTTCTCGTTGTTGTTCCGTAA-3'
Protein context (NP_000055.2, residues 1143-1163): LTAFVLISLQ[Glu1153Lys]AKDICEEQVN

ClinVar aggregate classification (germline): Uncertain significance. Review status: criteria provided, multiple submitters, no conflicts (2 of 4 stars). 2 submissions from 2 submitters: Uncertain significance (2). Last evaluated 2025-09-30.

Conditions:
C3 glomerulonephritis. Also called: Nephropathy due to CFHR5 Deficiency; C3 GLOMERULOPATHY 3. Identifiers: Orphanet 329931, MedGen C4055342, MONDO:0013892, OMIM 614809.
Atypical hemolytic-uremic syndrome. Identifiers: Orphanet 2134, MedGen C2931788, MONDO:0016244.
Complement component 3 deficiency. Identifiers: Orphanet 280133, MedGen C3151071, MONDO:0013417, OMIM 613779.
Atypical hemolytic-uremic syndrome with C3 anomaly. Also called: AHUS, SUSCEPTIBILITY TO, 5. Identifiers: Orphanet 2134, MedGen C2752037, MONDO:0013043, OMIM 612925.
Age related macular degeneration 9. Identifiers: MedGen C1969651, MONDO:0012659, OMIM 611378.

gnomAD v4.1: 3 of 1,614,138 alleles (0.00019%); highest among the groups gnomAD compares: Non-Finnish European, 0.000085%; no homozygotes.

Submissions (2):

Genomenon, Inc
Classification: Uncertain significance for Complement component 3 deficiency; C3 glomerulonephritis; Atypical hemolytic-uremic syndrome. Last evaluated: 2025-09-30. Review status: criteria provided, single submitter. Criteria: Genomenon Sequence Variant Interpretation Standards. Collection method: curation. Allele origin: germline. Affected: no.
Comment: C3 p.Glu1153Lys (c.3457G>A) is a missense variant that changes the amino acid at residue 1153 from Glutamic acid to Lysine. This variant has been reported in the published literature (PMID:26283675). It is absent or not present at a significant frequency in gnomAD. In conclusion, we classify C3 p.Glu1153Lys (c.3457G>A) as a variant of unknown significance.

Fulgent Genetics
Classification: Uncertain significance for Age related macular degeneration 9; Atypical hemolytic-uremic syndrome with C3 anomaly; Complement component 3 deficiency. Last evaluated: 2024-03-22. Review status: criteria provided, single submitter. Criteria: ACMG Guidelines, 2015. Collection method: clinical testing. Allele origin: germline.

Literature cited by the submitters: PubMed 26283675 (cited by Genomenon, Inc).